The following is an entry in ClinVar:

NM_000245.4(MET):c.4107G>C (p.Leu1369Phe)

Gene: MET (MET proto-oncogene, receptor tyrosine kinase; plus strand). Cytogenetic location: 7q31.2.
Variant type: single nucleotide variant.
Coding change: c.4107G>C on transcript NM_000245.4 (MANE Select); coding-DNA position 4107, G replaced by C.
Protein change: p.Leu1369Phe; replaces leucine 1369 with phenylalanine.
Molecular consequence: missense variant.
Genome position (GRCh38, 1-based): chr7:116,796,058, G>C. VCF-style: chr7-116796058-G-C. GRCh37 (hg19) VCF-style: chr7-116436112-G-C.
Other names: c.4161G>C, p.Leu1387Phe (NM_001127500.3); c.2817G>C, p.Leu939Phe (NM_001324402.2); short protein forms L939F, L1369F, L1387F.
Identifiers: ClinVar variation 3395198 (VCV003395198.1).

ClinVar aggregate classification (germline): Uncertain significance (1 of 4 stars; one submission).

Conditions:
Hereditary cancer-predisposing syndrome. Also called: Hereditary Cancer Syndrome; Tumor predisposition; Hereditary neoplastic syndrome; Neoplastic Syndromes, Hereditary. Identifiers: Orphanet 140162, MedGen C0027672, MeSH D009386, MONDO:0015356.

gnomAD v4.1: 1 of 1,613,968 alleles (0.000062%); highest among the groups gnomAD compares: Non-Finnish European, 0.000085%; no homozygotes.

Submission:

Ambry Genetics
Classification: Uncertain significance for Hereditary cancer-predisposing syndrome. Last evaluated: 2024-11-14. Review status: criteria provided, single submitter. Criteria: Ambry Variant Classification Scheme 2023. Collection method: clinical testing. Allele origin: germline.
Comment: The p.L1387F variant (also known as c.4161G>C), located in coding exon 20 of the MET gene, results from a G to C substitution at nucleotide position 4161. The leucine at codon 1387 is replaced by phenylalanine, an amino acid with highly similar properties. This amino acid position is conserved. In addition, this alteration is predicted to be tolerated by in silico analysis. Based on the available evidence, the clinical significance of this variant remains unclear.